The following is an entry in ClinVar:

ClinVar aggregate classification (germline): Uncertain significance. Review status: criteria provided, multiple submitters, no conflicts (2 of 4 stars). 2 submissions from 2 submitters: Uncertain significance (2). Last evaluated 2025-01-05.

Conditions:
Primary dilated cardiomyopathy (DCM). Also called: Dilated Cardiomyopathy. Identifiers: Orphanet 217604, MedGen C0007193, MeSH D002311, MONDO:0005021, HP:0001644. Inheritance: Various modes of inheritance.

Allele frequency attached by ClinVar (database versions not stated): gnomAD exomes 0.00001; TOPMed 0.00001.
gnomAD v4.1: 8 of 1,613,880 alleles (0.0005%); highest among the groups gnomAD compares: South Asian, 0.0011%; no homozygotes.

Submissions (2):

Labcorp Genetics (formerly Invitae), Labcorp
Classification: Uncertain significance for Primary dilated cardiomyopathy. Last evaluated: 2025-01-05. Review status: criteria provided, single submitter. Criteria: Invitae Variant Classification Sherloc (09022015). Collection method: clinical testing. Allele origin: germline.
Comment: This sequence change replaces isoleucine, which is neutral and non-polar, with valine, which is neutral and non-polar, at codon 1010 of the NEBL protein (p.Ile1010Val). This variant is present in population databases (no rsID available, gnomAD 0.002%). This variant has not been reported in the literature in individuals affected with NEBL-related conditions. ClinVar contains an entry for this variant (Variation ID: 1047630). An algorithm developed to predict the effect of missense changes on protein structure and function (PolyPhen-2) suggests that this variant is likely to be disruptive. Algorithms developed to predict the effect of sequence changes on RNA splicing suggest that this variant may create or strengthen a splice site. In summary, the available evidence is currently insufficient to determine the role of this variant in disease. Therefore, it has been classified as a Variant of Uncertain Significance.

Ambry Genetics
Classification: Uncertain significance. Last evaluated: 2024-06-12. Review status: criteria provided, single submitter. Criteria: Ambry Variant Classification Scheme 2023. Collection method: clinical testing. Allele origin: germline.
Comment: The p.I1010V variant (also known as c.3028A>G), located in coding exon 28 of the NEBL gene, results from an A to G substitution at nucleotide position 3028. The isoleucine at codon 1010 is replaced by valine, an amino acid with highly similar properties. This amino acid position is conserved. In addition, this alteration is predicted to be tolerated by in silico analysis. Based on the available evidence, the clinical significance of this variant remains unclear.

NM_006393.3(NEBL):c.3028A>G (p.Ile1010Val)

Gene: NEBL (nebulette; minus strand). Cytogenetic location: 10p12.31.
Variant type: single nucleotide variant.
Coding change: c.3028A>G on transcript NM_006393.3 (MANE Select); coding-DNA position 3028, A replaced by G.
Protein change: p.Ile1010Val; replaces isoleucine 1010 with valine.
Molecular consequence: missense variant. On other transcripts: 3 prime UTR variant (1).
Genome position (GRCh38, 1-based): chr10:20,785,764, T>C on the plus strand (A>G on the coding strand, the complement: NEBL is on the minus strand). VCF-style: chr10-20785764-T-C. GRCh37 (hg19) VCF-style: chr10-21074693-T-C.
Other names: c.3028A>G (NM_006393.2); c.*119A>G (NM_001173484.2); c.889A>G, p.Ile297Val (NM_001377322.1); c.748A>G, p.Ile250Val (NM_001377323.1); c.739A>G, p.Ile247Val (NM_001377324.1); c.730A>G, p.Ile244Val (NM_001377325.1); c.688A>G, p.Ile230Val (NM_001377326.1, NM_001377327.1, NM_001377328.1); c.796A>G, p.Ile266Val (NM_213569.2); short protein forms I1010V, I297V, I230V, I244V, I247V, I250V, I266V.
Identifiers: ClinVar variation 1047630 (VCV001047630.10), dbSNP rs1400947444, ClinGen allele CA376092014.
Genomic context (GRCh38, chr10:20,785,764, plus strand): 5'-TTGGGATACATTAGAATAAAGCTCAAAGGGCAGGGAGAAATAATTAATTAACAAACTCAA[T>C]GTAATTCGCTGGGAGCATTCCTGTTCTCCCTGTTCTCTGCACTGTGCCGTACATCCAGCC-3'
Protein context (NP_006384.1, residues 1000-1014): GRTGMLPANY[Ile1010Val]EFVN